The following is an entry in ClinVar:

NM_020877.5(DNAH2):c.4392G>A (p.Lys1464=)

Gene: DNAH2 (dynein axonemal heavy chain 2; plus strand). Cytogenetic location: 17p13.1.
Variant type: single nucleotide variant.
Coding change: c.4392G>A on transcript NM_020877.5 (MANE Select); coding-DNA position 4392, G replaced by A.
Protein change: p.Lys1464=; no amino-acid change (lysine 1464 retained).
Molecular consequence: synonymous variant.
Genome position (GRCh38, 1-based): chr17:7,771,359, G>A. VCF-style: chr17-7771359-G-A. GRCh37 (hg19) VCF-style: chr17-7674677-G-A.
Identifiers: ClinVar variation 2647375 (VCV002647375.24), dbSNP rs370348861, ClinGen allele CA8357129.

ClinVar aggregate classification (germline): Likely benign (1 of 4 stars; one submission).

Allele frequency attached by ClinVar (database versions not stated): gnomAD 0.00001; gnomAD exomes 0.00001; TOPMed 0.00001; ExAC 0.00002; ESP Exome Variant Server 0.00008.
gnomAD v4.1: 18 of 1,614,028 alleles (0.0011%); highest among the groups gnomAD compares: Non-Finnish European, 0.0015%; no homozygotes.

Submission:

CeGaT Center for Human Genetics Tuebingen
Classification: Likely benign. Last evaluated: 2022-04-01. Review status: criteria provided, single submitter. Criteria: CeGaT Center For Human Genetics Tuebingen Variant Classification Criteria Version 2. Collection method: clinical testing. Allele origin: germline. Affected: yes. Observed: 1 variant allele.
Comment: DNAH2: BP4, BP7